The following is an entry in ClinVar:

ClinVar aggregate classification (germline): Uncertain significance (1 of 4 stars; one submission).

Conditions:
Neuroblastoma, susceptibility to, 3. Also called: ALK-Related Neuroblastic Tumor Susceptibility. Identifiers: Orphanet 635, MedGen C2751681, MONDO:0013083, OMIM 613014.

Submission:

Labcorp Genetics (formerly Invitae), Labcorp
Classification: Uncertain significance for Neuroblastoma, susceptibility to, 3. Last evaluated: 2023-05-30. Review status: criteria provided, single submitter. Criteria: Invitae Variant Classification Sherloc (09022015). Collection method: clinical testing. Allele origin: germline.
Comment: In summary, the available evidence is currently insufficient to determine the role of this variant in disease. Therefore, it has been classified as a Variant of Uncertain Significance. Variants that disrupt the consensus splice site are a relatively common cause of aberrant splicing (PMID: 17576681, 9536098). Algorithms developed to predict the effect of sequence changes on RNA splicing suggest that this variant may disrupt the consensus splice site. This variant has not been reported in the literature in individuals affected with ALK-related conditions. This variant is not present in population databases (gnomAD no frequency). This sequence change falls in intron 26 of the ALK gene. It does not directly change the encoded amino acid sequence of the ALK protein. It affects a nucleotide within the consensus splice site.

Literature cited by the submitters: PubMed 17576681; PubMed 9536098.

NM_004304.5(ALK):c.3938+5G>A

Gene: ALK (ALK receptor tyrosine kinase; minus strand). Cytogenetic location: 2p23.2.
Variant type: single nucleotide variant.
Coding change: c.3938+5G>A on transcript NM_004304.5 (MANE Select); 5 bases into the intron after coding-DNA position 3938, G replaced by A.
Molecular consequence: intron variant.
Genome position (GRCh38, 1-based): chr2:29,207,166, C>T on the plus strand (G>A on the coding strand, the complement: ALK is on the minus strand). VCF-style: chr2-29207166-C-T. GRCh37 (hg19) VCF-style: chr2-29430032-C-T.
Other names: c.734+5G>A (NM_001353765.2).
Identifiers: ClinVar variation 2749984 (VCV002749984.3), dbSNP rs2465902422, ClinGen allele CA2697547957.